The following is an entry in ClinVar:

ClinVar aggregate classification (germline): Uncertain significance. Review status: criteria provided, multiple submitters, no conflicts (2 of 4 stars). 2 submissions from 2 submitters: Uncertain significance (2). Last evaluated 2025-12-01.

Conditions:
Pancreatic adenocarcinoma. Identifiers: MedGen C0281361, MONDO:0006047, HP:0006725.

Submissions (2):

Ambry Genetics
Classification: Uncertain significance. Last evaluated: 2025-12-01. Review status: criteria provided, single submitter. Criteria: Ambry Variant Classification Scheme 2023. Collection method: clinical testing. Allele origin: germline.
Comment: The p.A145P variant (also known as c.433G>C), located in coding exon 1 of the PALLD gene, results from a G to C substitution at nucleotide position 433. The alanine at codon 145 is replaced by proline, an amino acid with highly similar properties. This amino acid position is conserved. In addition, this alteration is predicted to be tolerated by in silico analysis. Based on the available evidence, the clinical significance of this variant remains unclear.

Labcorp Genetics (formerly Invitae), Labcorp
Classification: Uncertain significance for Pancreatic adenocarcinoma. Last evaluated: 2021-09-15. Review status: criteria provided, single submitter. Criteria: Invitae Variant Classification Sherloc (09022015). Collection method: clinical testing. Allele origin: germline.
Comment: In summary, the available evidence is currently insufficient to determine the role of this variant in disease. Therefore, it has been classified as a Variant of Uncertain Significance. Algorithms developed to predict the effect of missense changes on protein structure and function are either unavailable or do not agree on the potential impact of this missense change (SIFT: "Deleterious"; PolyPhen-2: "Benign"; Align-GVGD: "Class C25"). This variant has not been reported in the literature in individuals affected with PALLD-related conditions. The frequency data for this variant in the population databases is considered unreliable, as metrics indicate insufficient coverage at this position in the ExAC database. This sequence change replaces alanine with proline at codon 145 of the PALLD protein (p.Ala145Pro). The alanine residue is highly conserved and there is a small physicochemical difference between alanine and proline.

NM_001166108.2(PALLD):c.1965-12598G>C

Gene: PALLD (palladin, cytoskeletal associated protein; plus strand). Cytogenetic location: 4q32.3.
Variant type: single nucleotide variant.
Coding change: c.1965-12598G>C on transcript NM_001166108.2 (MANE Select); 12598 bases into the intron before coding-DNA position 1965, G replaced by C.
Molecular consequence: intron variant. On other transcripts: missense variant (1).
Genome position (GRCh38, 1-based): chr4:168,878,324, G>C. VCF-style: chr4-168878324-G-C. GRCh37 (hg19) VCF-style: chr4-169799475-G-C.
Other names: c.433G>C, p.Ala145Pro (NM_001166110.2); c.1965-12598G>C (NM_016081.4); c.819-12598G>C (NM_001166109.2); c.-157-12598G>C (NM_001367570.1, NM_001367568.1, NM_001367567.1 and 1 more transcripts); c.433G>C (NM_001166110.1); short protein forms A145P.
Identifiers: ClinVar variation 1381130 (VCV001381130.7), dbSNP rs2151120162, ClinGen allele CA358796672.
Genomic context (GRCh38, chr4:168,878,324, plus strand): 5'-CACTGCTCGTCGCCTGCCACCCGCTTCGGCCACAGCCAGACGCCCGCGGCCTTCCTCAGC[G>C]CTCTGCTGCCCTCGCAGCCGCCGCCGGCGGCCGTCAACGCCCTGGGGCTGCCCAAGGGTG-3'